The following is an entry in ClinVar:

NM_006929.5(SKIC2):c.3266T>G (p.Leu1089Trp)

Gene: SKIC2 (SKI2 subunit of superkiller complex; plus strand). Cytogenetic location: 6p21.33.
Variant type: single nucleotide variant.
Coding change: c.3266T>G on transcript NM_006929.5 (MANE Select); coding-DNA position 3266, T replaced by G.
Protein change: p.Leu1089Trp; replaces leucine 1089 with tryptophan.
Molecular consequence: missense variant.
Genome position (GRCh38, 1-based): chr6:31,968,956, T>G. VCF-style: chr6-31968956-T-G. GRCh37 (hg19) VCF-style: chr6-31936733-T-G.
Other names: short protein forms L1089W.
Identifiers: ClinVar variation 4697941 (VCV004697941.1).
Genomic context (GRCh38, chr6:31,968,956, plus strand): 5'-ACGAGGCGGGCACTGTGAAGCTGGCAGGGCGGGTGGCTTGTGCCATGAGCAGCCATGAGT[T>G]GCTCCTCACTGAGCTCATGTTTGACAATGCACTGAGCACCCTGCGGCCTGAGGAGATTGC-3'
Protein context (NP_008860.4, residues 1079-1099): RVACAMSSHE[Leu1089Trp]LLTELMFDNA

ClinVar aggregate classification (germline): Uncertain significance (1 of 4 stars; one submission).

gnomAD v4.1: 11 of 1,612,792 alleles (0.00068%); highest among the groups gnomAD compares: Non-Finnish European, 0.00093%; no homozygotes.

Submission:

Labcorp Genetics (formerly Invitae), Labcorp
Classification: Uncertain significance. Last evaluated: 2025-11-11. Review status: criteria provided, single submitter. Criteria: Invitae Variant Classification Sherloc (09022015). Collection method: clinical testing. Allele origin: germline.
Comment: This sequence change replaces leucine, which is neutral and non-polar, with tryptophan, which is neutral and slightly polar, at codon 1089 of the SKIV2L protein (p.Leu1089Trp). This variant is not present in population databases (gnomAD no frequency). This variant has not been reported in the literature in individuals affected with SKIV2L-related conditions. An algorithm developed to predict the effect of missense changes on protein structure and function (PolyPhen-2) suggests that this variant is likely to be disruptive. In summary, the available evidence is currently insufficient to determine the role of this variant in disease. Therefore, it has been classified as a Variant of Uncertain Significance.